The following is an entry in ClinVar:

ClinVar aggregate classification (germline): Likely pathogenic (1 of 4 stars; one submission).

Submission:

Quest Diagnostics Nichols Institute San Juan Capistrano
Classification: Likely pathogenic. Last evaluated: 2021-08-24. Review status: criteria provided, single submitter. Criteria: ACMG/ClinGen CNV Guidelines, 2019. Collection method: clinical testing. Allele origin: unknown.
Comment: This copy number gain of 16p13.11 involves multiple genes and is a recurrent genomic imbalance. It confers susceptibility to a range of neurodevelopmental disorders including autism spectrum disorder, developmental delay, intellectual disability, and speech delay. Additionally, increased risk for cardiovascular disease has been noted (Khattabi 2020). The clinical significance of this recurrent duplication has been debated, because similar duplications are repeatedly observed in uncharacterized controls and in unaffected relatives (Ullmann 2007, Hannes 2009). However, the duplication is enriched in patients versus controls in multiple case-control studies (Coe 2014, Girirajan 2012), with some exceptions (Kaminsky 2011). A male-biased effect on the penetrance of the neurodevelopmental phenotypes has been reported (Tropeano 2013). Thus, the clinical significance of this copy number variant (CNV) is likely pathogenic. Please note: because of variable phenotypic expressivity, incomplete penetrance, and occurrence in control populations, it is best interpreted as a susceptibility locus.

GRCh37/hg19 16p13.11(chr16:15509407-16330477)x3

Genes: ABCC1 (ATP binding cassette subfamily C member 1 (ABCC1 blood group); plus strand), ABCC6 (ATP binding cassette subfamily C member 6; minus strand), BMERB1 (bMERB domain containing 1; plus strand), CEP20 (centrosomal protein 20; minus strand), MARF1 (meiosis regulator and mRNA stability factor 1; minus strand) and 3 more. Cytogenetic location: 16p13.11.
Variant type: copy number gain.
Change: copy number 3 (three copies instead of two) of chr16:15,509,407-16,330,477 (821.1 kb, GRCh37 coordinates, 1-based), cytogenetic band 16p13.11.
Identifiers: ClinVar variation 1807744 (VCV001807744.1).